The following is an entry in ClinVar:

ClinVar aggregate classification (germline): Uncertain significance (1 of 4 stars; one submission).

Conditions:
Alpha thalassemia-X-linked intellectual disability syndrome (ATRX). Also called: ALPHA-THALASSEMIA/MENTAL RETARDATION SYNDROME, X-LINKED; ATR, NONDELETION TYPE; ATR-X syndrome; Alpha thalassemia mental retardation syndrome, nondeletion type, X-linked; XLMR hypotonic face syndrome; X-linked alpha-thalassemia-mental retardation syndrome. Identifiers: Orphanet 847, MedGen C1845055, MONDO:0010519, OMIM 301040.

Submission:

Labcorp Genetics (formerly Invitae), Labcorp
Classification: Uncertain significance for Alpha thalassemia-X-linked intellectual disability syndrome. Last evaluated: 2024-11-19. Review status: criteria provided, single submitter. Criteria: Invitae Variant Classification Sherloc (09022015). Collection method: clinical testing. Allele origin: germline.
Comment: This sequence change replaces isoleucine, which is neutral and non-polar, with leucine, which is neutral and non-polar, at codon 2236 of the ATRX protein (p.Ile2236Leu). This variant is not present in population databases (gnomAD no frequency). This variant has not been reported in the literature in individuals affected with ATRX-related conditions. Invitae Evidence Modeling of protein sequence and biophysical properties (such as structural, functional, and spatial information, amino acid conservation, physicochemical variation, residue mobility, and thermodynamic stability) indicates that this missense variant is not expected to disrupt ATRX protein function with a negative predictive value of 95%. In summary, the available evidence is currently insufficient to determine the role of this variant in disease. Therefore, it has been classified as a Variant of Uncertain Significance.

NM_000489.6(ATRX):c.6706A>T (p.Ile2236Leu)

Gene: ATRX (ATRX chromatin remodeler; minus strand). Cytogenetic location: Xq21.1.
Variant type: single nucleotide variant.
Coding change: c.6706A>T on transcript NM_000489.6 (MANE Select); coding-DNA position 6706, A replaced by T.
Protein change: p.Ile2236Leu; replaces isoleucine 2236 with leucine.
Molecular consequence: missense variant.
Genome position (GRCh38, 1-based): chrX:77,523,395, T>A on the plus strand (A>T on the coding strand, the complement: ATRX is on the minus strand). VCF-style: chrX-77523395-T-A. GRCh37 (hg19) VCF-style: chrX-76778873-T-A.
Other names: c.6592A>T, p.Ile2198Leu (NM_138270.5); short protein forms I2198L, I2236L.
Identifiers: ClinVar variation 3634978 (VCV003634978.2).